The following is an entry in ClinVar:

NM_147127.5(EVC2):c.761_762delinsAA (p.Gly254Glu)

Gene: EVC2 (EvC ciliary complex subunit 2; minus strand). Cytogenetic location: 4p16.2.
Variant type: Indel.
Coding change: c.761_762delinsAA on transcript NM_147127.5 (MANE Select); coding-DNA positions 761 to 762, GG replaced by AA.
Protein change: p.Gly254Glu; replaces glycine 254 with glutamic acid.
Molecular consequence: missense variant.
Genome position (GRCh38, 1-based): chr4:5,685,424-5,685,425, CC replaced by TT on the plus strand (GG replaced by AA on the coding strand, the reverse complement: EVC2 is on the minus strand). VCF-style: chr4-5685424-CC-TT. GRCh37 (hg19) VCF-style: chr4-5687151-CC-TT.
Other names: c.521_522delinsAA, p.Gly174Glu (NM_001166136.2); short protein forms G254E, G174E.
Identifiers: ClinVar variation 4788793 (VCV004788793.1).
Genomic context (GRCh38, chr4:5,685,424, plus strand): 5'-TCATACCCGTGACGAGCTCTGAAAGGTGAGTTGGGCAGGAAGCTTGAGGCTCTCCCCGTT[CC>TT]CGAGGTCTCCAGCCTGGAGCGTGGCTGCGTAGCTGACAGCAAAGGCATCTCCCACTGCGC-3'
Protein context (NP_667338.3, residues 244-264): YAATLQAGDL[Gly254Glu]NGESLKLPAQ

ClinVar aggregate classification (germline): Uncertain significance (1 of 4 stars; one submission).

Conditions:
Ellis-van Creveld syndrome (EVC). Also called: EVC-Related Ellis-van Creveld Syndrome; EVC2-Related Ellis-van Creveld Syndrome; MESOECTODERMAL DYSPLASIA; Chondroectodermal dysplasia. Identifiers: Orphanet 289, MedGen C0013903, MONDO:0009162, OMIM 225500.
Curry-Hall syndrome (WAD). Also called: WEYERS ACRODENTAL DYSOSTOSIS. Identifiers: Orphanet 952, MedGen C0457013, MONDO:0008673, OMIM 193530.

Submission:

Labcorp Genetics (formerly Invitae), Labcorp
Classification: Uncertain significance for Curry-Hall syndrome; Ellis-van Creveld syndrome. Last evaluated: 2025-12-16. Review status: criteria provided, single submitter. Criteria: Invitae Variant Classification Sherloc (09022015). Collection method: clinical testing. Allele origin: germline.
Comment: This sequence change replaces glycine, which is neutral and non-polar, with glutamic acid, which is acidic and polar, at codon 254 of the EVC2 protein (p.Gly254Glu). The frequency data for this variant in the population databases is considered unreliable, as metrics indicate poor data quality at this position in the gnomAD database. This variant has not been reported in the literature in individuals affected with EVC2-related conditions. An algorithm developed to predict the effect of missense changes on protein structure and function (PolyPhen-2) suggests that this variant is likely to be tolerated. In summary, the available evidence is currently insufficient to determine the role of this variant in disease. Therefore, it has been classified as a Variant of Uncertain Significance.